The following is an entry in ClinVar:

NM_000202.8(IDS):c.1021G>A (p.Glu341Lys)

Genes: IDS (iduronate 2-sulfatase; minus strand), LOC106050102 (IDS recombination region; plus strand). Cytogenetic location: Xq28.
Variant type: single nucleotide variant.
Coding change: c.1021G>A on transcript NM_000202.8 (MANE Select); coding-DNA position 1021, G replaced by A.
Protein change: p.Glu341Lys; replaces glutamic acid 341 with lysine.
Molecular consequence: missense variant.
Genome position (GRCh38, 1-based): chrX:149,487,084, C>T on the plus strand (G>A on the coding strand, the complement: IDS is on the minus strand). VCF-style: chrX-149487084-C-T. GRCh37 (hg19) VCF-style: chrX-148568615-C-T.
Other names: c.751G>A, p.Glu251Lys (NM_001166550.4); short protein forms E251K, E341K.
Identifiers: ClinVar variation 1509058 (VCV001509058.11), dbSNP rs2124006380, ClinGen allele CA414519016.

ClinVar aggregate classification (germline): Likely pathogenic. Review status: criteria provided, multiple submitters, no conflicts (2 of 4 stars). 3 submissions from 3 submitters: Likely pathogenic (3). Last evaluated 2025-07-01.

Conditions:
Mucopolysaccharidosis, MPS-II (MPS2). Also called: IDS deficiency; Sulfoiduronate sulfatase deficiency; SIDS deficiency; Mucopolysaccharidosis with skin involvement; Attenuated MPS (subtype; formerly known as mild MPS II); Severe MPS II. Identifiers: Orphanet 580, Orphanet 79388, MedGen C0026705, MONDO:0010674, OMIM 309900.

Submissions (3):

3billion
Classification: Likely pathogenic for Mucopolysaccharidosis, MPS-II. Last evaluated: 2025-07-01. Review status: criteria provided, single submitter. Criteria: ACMG Guidelines, 2015. Collection method: clinical testing. Allele origin: germline. Affected: yes.
Comment: The variant is not observed in the gnomAD v4.1.0 dataset. Predicted Consequence/Location: The variant is located in a mutational hot spot and/or well-established functional domain in which established pathogenic variants have been reported. In silico tool predictions suggest damaging effect of the variant on gene or gene product [REVEL: 0.97 (>=0.6, sensitivity 0.68 and specificity 0.92)]. The same nucleotide change resulting in the same amino acid change has been previously reported as pathogenic/likely pathogenic with strong evidence (ClinVar ID: VCV001509058 /PMID: 9266380). Therefore, this variant is classified as Likely pathogenic according to the recommendation of ACMG/AMP guideline.

Laboratory of Diagnosis and Therapy of Lysosomal Disorders, University of Padova
Classification: Likely pathogenic for Mucopolysaccharidosis, MPS-II. Last evaluated: 2024-06-07. Review status: criteria provided, single submitter. Criteria: ACMG Guidelines, 2015. Collection method: literature only. Allele origin: germline. Affected: yes. Observed: 5 variant alleles.
Comment: Absent from controls (or at low frequency) in gnomAD database (PM2_Moderate), Cosegregation with disease in multiple affected family members (PP1_Moderate), Missense variant in a gene with a low rate of benign missense variation (PP2_Supporting), Multiple lines of computational evidence support a deleterious effect (PP3_Supporting), Patient’s phenotype or family history highly specific for the disease (PP4_Moderate)

Classification method: ACMG Guidelines [PMID:25741868] with modifications

Labcorp Genetics (formerly Invitae), Labcorp
Classification: Likely pathogenic for Mucopolysaccharidosis, MPS-II. Last evaluated: 2021-04-06. Review status: criteria provided, single submitter. Criteria: Invitae Variant Classification Sherloc (09022015). Collection method: clinical testing. Allele origin: germline.
Comment: Algorithms developed to predict the effect of missense changes on protein structure and function are either unavailable or do not agree on the potential impact of this missense change (SIFT: "Deleterious"; PolyPhen-2: "Probably Damaging"; Align-GVGD: "Class C0"). In summary, the currently available evidence indicates that the variant is pathogenic, but additional data are needed to prove that conclusively. Therefore, this variant has been classified as Likely Pathogenic. This sequence change replaces glutamic acid with lysine at codon 341 of the IDS protein (p.Glu341Lys). The glutamic acid residue is highly conserved and there is a small physicochemical difference between glutamic acid and lysine. This variant is not present in population databases (ExAC no frequency). This variant has been observed in individual(s) with mucopolysaccharidosis II (PMID: 9266380, 10220152, 14728992).

Literature cited by the submitters: PubMed 9266380 (cited by 3 submitters); PubMed 14728992 (cited by Laboratory of Diagnosis and Therapy of Lysosomal Disorders, University of Padova and Labcorp Genetics (formerly Invitae), Labcorp); PubMed 15500445 (cited by Laboratory of Diagnosis and Therapy of Lysosomal Disorders, University of Padova); PubMed 10220152 (cited by Laboratory of Diagnosis and Therapy of Lysosomal Disorders, University of Padova and Labcorp Genetics (formerly Invitae), Labcorp).